The following is an entry in ClinVar:

NM_013275.6(ANKRD11):c.6136G>A (p.Ala2046Thr)

Gene: ANKRD11 (ankyrin repeat domain 11; minus strand). Cytogenetic location: 16q24.3.
Variant type: single nucleotide variant.
Coding change: c.6136G>A on transcript NM_013275.6 (MANE Select); coding-DNA position 6136, G replaced by A.
Protein change: p.Ala2046Thr; replaces alanine 2046 with threonine.
Molecular consequence: missense variant.
Genome position (GRCh38, 1-based): chr16:89,280,406, C>T on the plus strand (G>A on the coding strand, the complement: ANKRD11 is on the minus strand). VCF-style: chr16-89280406-C-T. GRCh37 (hg19) VCF-style: chr16-89346814-C-T.
Other names: c.6136G>A, p.Ala2046Thr (NM_001256182.2, NM_001256183.2); short protein forms A2046T.
Identifiers: ClinVar variation 1493819 (VCV001493819.7), dbSNP rs749615651, ClinGen allele CA8241567.

ClinVar aggregate classification (germline): Uncertain significance. Review status: criteria provided, multiple submitters, no conflicts (2 of 4 stars). 2 submissions from 2 submitters: Uncertain significance (2). Last evaluated 2025-09-21.

Conditions:
KBG syndrome (KBGS). Also called: ANKRD11-Related KBG Syndrome. Identifiers: Orphanet 2332, MedGen C0220687, MONDO:0007846, OMIM 148050.

Allele frequency attached by ClinVar (database versions not stated): ExAC 0.00001; gnomAD exomes 0.00002.

Submissions (2):

Labcorp Genetics (formerly Invitae), Labcorp
Classification: Uncertain significance for KBG syndrome. Last evaluated: 2025-09-21. Review status: criteria provided, single submitter. Criteria: Invitae Variant Classification Sherloc (09022015). Collection method: clinical testing. Allele origin: germline.
Comment: This sequence change replaces alanine, which is neutral and non-polar, with threonine, which is neutral and polar, at codon 2046 of the ANKRD11 protein (p.Ala2046Thr). This variant is present in population databases (rs749615651, gnomAD 0.01%). This variant has not been reported in the literature in individuals affected with ANKRD11-related conditions. ClinVar contains an entry for this variant (Variation ID: 1493819). Invitae Evidence Modeling of protein sequence and biophysical properties (such as structural, functional, and spatial information, amino acid conservation, physicochemical variation, residue mobility, and thermodynamic stability) indicates that this missense variant is not expected to disrupt ANKRD11 protein function with a negative predictive value of 95%. In summary, the available evidence is currently insufficient to determine the role of this variant in disease. Therefore, it has been classified as a Variant of Uncertain Significance.

Women's Health and Genetics/Laboratory Corporation of America, LabCorp
Classification: Uncertain significance. Last evaluated: 2025-03-31. Review status: criteria provided, single submitter. Criteria: LabCorp Variant Classification Summary - May 2015. Collection method: clinical testing. Allele origin: germline.
Comment: Variant summary: ANKRD11 c.6136G>A (p.Ala2046Thr) results in a non-conservative amino acid change in the encoded protein sequence. Four of five in-silico tools predict a benign effect of the variant on protein function. The variant allele was found at a frequency of 1.6e-05 in 189428 control chromosomes. The available data on variant occurrences in the general population are insufficient to allow any conclusion about variant significance. To our knowledge, no occurrence of c.6136G>A in individuals affected with KBG Syndrome and no experimental evidence demonstrating its impact on protein function have been reported. ClinVar contains an entry for this variant (Variation ID: 1493819). Based on the evidence outlined above, the variant was classified as uncertain significance.